The following is an entry in ClinVar:

ClinVar aggregate classification (germline): Uncertain significance. Review status: criteria provided, multiple submitters, no conflicts (2 of 4 stars). 2 submissions from 2 submitters: Uncertain significance (2). Last evaluated 2025-03-27.

Conditions:
Gorlin syndrome. Also called: Basal cell nevus syndrome; Nevoid Basal Cell Carcinoma Syndrome. Identifiers: Orphanet 377, MedGen C0004779, MONDO:0007187.
Hereditary cancer-predisposing syndrome. Also called: Tumor predisposition; Hereditary neoplastic syndrome; Hereditary Cancer Syndrome; Neoplastic Syndromes, Hereditary. Identifiers: Orphanet 140162, MedGen C0027672, MeSH D009386, MONDO:0015356.

Allele frequency attached by ClinVar (database versions not stated): gnomAD exomes below 0.00001.
gnomAD v4.1: 1 of 1,610,962 alleles (0.000062%); highest among the groups gnomAD compares: Non-Finnish European, 0.000085%; no homozygotes.

Submissions (2):

Labcorp Genetics (formerly Invitae), Labcorp
Classification: Uncertain significance for Gorlin syndrome. Last evaluated: 2025-03-27. Review status: criteria provided, single submitter. Criteria: Invitae Variant Classification Sherloc (09022015). Collection method: clinical testing. Allele origin: germline.
Comment: This sequence change replaces threonine, which is neutral and polar, with alanine, which is neutral and non-polar, at codon 307 of the PTCH1 protein (p.Thr307Ala). This variant is not present in population databases (gnomAD no frequency). This variant has not been reported in the literature in individuals affected with PTCH1-related conditions. ClinVar contains an entry for this variant (Variation ID: 1955651). Invitae Evidence Modeling of protein sequence and biophysical properties (such as structural, functional, and spatial information, amino acid conservation, physicochemical variation, residue mobility, and thermodynamic stability) has been performed for this missense variant. However, the output from this modeling did not meet the statistical confidence thresholds required to predict the impact of this variant on PTCH1 protein function. In summary, the available evidence is currently insufficient to determine the role of this variant in disease. Therefore, it has been classified as a Variant of Uncertain Significance.

Ambry Genetics
Classification: Uncertain significance for Hereditary cancer-predisposing syndrome. Last evaluated: 2022-11-27. Review status: criteria provided, single submitter. Criteria: Ambry Variant Classification Scheme 2023. Collection method: clinical testing. Allele origin: germline.
Comment: The p.T307A variant (also known as c.919A>G), located in coding exon 6 of the PTCH1 gene, results from an A to G substitution at nucleotide position 919. The threonine at codon 307 is replaced by alanine, an amino acid with similar properties. This amino acid position is conserved. In addition, the in silico prediction for this alteration is inconclusive. Since supporting evidence is limited at this time, the clinical significance of this alteration remains unclear.

NM_000264.5(PTCH1):c.919A>G (p.Thr307Ala)

Gene: PTCH1 (patched 1; minus strand). Cytogenetic location: 9q22.32.
Variant type: single nucleotide variant.
Coding change: c.919A>G on transcript NM_000264.5 (MANE Select); coding-DNA position 919, A replaced by G.
Protein change: p.Thr307Ala; replaces threonine 307 with alanine.
Molecular consequence: missense variant. On other transcripts: non-coding transcript variant (1).
Genome position (GRCh38, 1-based): chr9:95,480,416, T>C on the plus strand (A>G on the coding strand, the complement: PTCH1 is on the minus strand). VCF-style: chr9-95480416-T-C. GRCh37 (hg19) VCF-style: chr9-98242698-T-C.
Other names: c.721A>G, p.Thr241Ala (NM_001083602.3); c.916A>G, p.Thr306Ala (NM_001083603.3); c.466A>G, p.Thr156Ala (NM_001083604.3, NM_001083605.3, NM_001083606.3 and 1 more transcripts); c.919A>G, p.Thr307Ala (NM_001354918.2); short protein forms T307A, T156A, T241A, T306A.
Identifiers: ClinVar variation 1955651 (VCV001955651.7), dbSNP rs2538230749, ClinGen allele CA374113690.